The following is an entry in ClinVar:

NM_024408.4(NOTCH2):c.6178C>T (p.Arg2060Cys)

Gene: NOTCH2 (notch receptor 2; minus strand). Cytogenetic location: 1p12.
Variant type: single nucleotide variant.
Coding change: c.6178C>T on transcript NM_024408.4 (MANE Select); coding-DNA position 6178, C replaced by T.
Protein change: p.Arg2060Cys; replaces arginine 2060 with cysteine.
Molecular consequence: missense variant.
Genome position (GRCh38, 1-based): chr1:119,916,544, G>A on the plus strand (C>T on the coding strand, the complement: NOTCH2 is on the minus strand). VCF-style: chr1-119916544-G-A. GRCh37 (hg19) VCF-style: chr1-120459167-G-A.
Other names: short protein forms R2060C.
Identifiers: ClinVar variation 829922 (VCV000829922.14), dbSNP rs746551843, ClinGen allele CA1039469.

ClinVar aggregate classification (germline): Uncertain significance. Review status: criteria provided, multiple submitters, no conflicts (2 of 4 stars). 6 submissions from 6 submitters: Uncertain significance (3). 3 of the submissions do not count toward it. Last evaluated 2025-09-24.

Conditions:
Hajdu-Cheney syndrome (HJCYS). Also called: SERPENTINE FIBULA-POLYCYSTIC KIDNEY SYNDROME; Acroosteolysis dominant type; ACROOSTEOLYSIS WITH OSTEOPOROSIS AND CHANGES IN SKULL AND MANDIBLE. Identifiers: Orphanet 955, MedGen C0917715, MONDO:0007057, OMIM 102500.
NOTCH2-related disorder. Also called: NOTCH2-related condition.
Alagille syndrome due to a NOTCH2 point mutation. Also called: Alagille syndrome 2. Identifiers: Orphanet 261629, Orphanet 52, MedGen C1857761, MONDO:0012439, OMIM 610205.

Allele frequency attached by ClinVar (database versions not stated): ExAC 0.00001; gnomAD 0.00002 and 0.00003; gnomAD exomes 0.00002; TOPMed 0.00003.
gnomAD v4.1: 80 of 1,613,770 alleles (0.005%); highest among the groups gnomAD compares: Non-Finnish European, 0.0064%; no homozygotes.

Submissions (6):

PreventionGenetics, part of Exact Sciences
Classification: Uncertain significance for NOTCH2-related condition. Last evaluated: 2025-09-24. Review status: criteria provided, single submitter. Criteria: ACMG Guidelines, 2015. Collection method: clinical testing. Allele origin: germline.
Comment: The NOTCH2 c.6178C>T variant is predicted to result in the amino acid substitution p.Arg2060Cys. This variant was reported in a family with a history of several types of cancer, but was only detected in two of the affected family members and additional variants in the KAT6B gene were also detected (Table 3 in Wen et al 2014. PubMed ID: 24969172). This variant is reported in 0.0035% of alleles in individuals of European (Non-Finnish) descent in gnomAD and has been reported in ClinVar as uncertain (Variation ID: 829922). At this time, the clinical significance of this variant is uncertain due to the absence of conclusive functional and genetic evidence.

Labcorp Genetics (formerly Invitae), Labcorp
Classification: Uncertain significance for Hajdu-Cheney syndrome. Last evaluated: 2025-09-11. Review status: criteria provided, single submitter. Criteria: Invitae Variant Classification Sherloc (09022015). Collection method: clinical testing. Allele origin: germline.
Comment: This sequence change replaces arginine, which is basic and polar, with cysteine, which is neutral and slightly polar, at codon 2060 of the NOTCH2 protein (p.Arg2060Cys). This variant is present in population databases (rs746551843, gnomAD 0.004%). This variant has not been reported in the literature in individuals affected with NOTCH2-related conditions. ClinVar contains an entry for this variant (Variation ID: 829922). Invitae Evidence Modeling of protein sequence and biophysical properties (such as structural, functional, and spatial information, amino acid conservation, physicochemical variation, residue mobility, and thermodynamic stability) indicates that this missense variant is not expected to disrupt NOTCH2 protein function with a negative predictive value of 80%. In summary, the available evidence is currently insufficient to determine the role of this variant in disease. Therefore, it has been classified as a Variant of Uncertain Significance.

Fulgent Genetics
Classification: Uncertain significance for Hajdu-Cheney syndrome; Alagille syndrome due to a NOTCH2 point mutation. Last evaluated: 2024-06-10. Review status: criteria provided, single submitter. Criteria: ACMG Guidelines, 2015. Collection method: clinical testing. Allele origin: germline.

Bioscientia Institut fuer Medizinische Diagnostik GmbH, Sonic Healthcare
Classification: Uncertain significance for Alagille syndrome due to a NOTCH2 point mutation. Last evaluated: 2019-11-20. Review status: no assertion criteria provided. Collection method: clinical testing. Allele origin: germline. Affected: yes. Not counted in ClinVar's aggregate classification.

Clinical Genetics DNA and cytogenetics Diagnostics Lab, Erasmus MC, Erasmus Medical Center
Classification: Uncertain significance. Review status: no assertion criteria provided. Collection method: clinical testing. Allele origin: germline. Affected: yes. Study: VKGL Data-share Consensus. Not counted in ClinVar's aggregate classification.

Laboratory of Diagnostic Genome Analysis, Leiden University Medical Center (LUMC)
Classification: Uncertain significance. Review status: no assertion criteria provided. Collection method: clinical testing. Allele origin: germline. Affected: yes. Study: VKGL Data-share Consensus. Not counted in ClinVar's aggregate classification.